The following is an entry in ClinVar:

NM_001385.3(DPYS):c.*344T>A

Gene: DPYS (dihydropyrimidinase; minus strand). Cytogenetic location: 8q22.3.
Variant type: single nucleotide variant.
Coding change: c.*344T>A on transcript NM_001385.3 (MANE Select); 344 bases downstream of the stop codon, T replaced by A.
Molecular consequence: 3 prime UTR variant.
Genome position (GRCh38, 1-based): chr8:104,379,514, A>T on the plus strand (T>A on the coding strand, the complement: DPYS is on the minus strand). VCF-style: chr8-104379514-A-T. GRCh37 (hg19) VCF-style: chr8-105391742-A-T.
Identifiers: ClinVar variation 361443 (VCV000361443.5), dbSNP rs73699419, ClinGen allele CA10624481.
Genomic context (GRCh38, chr8:104,379,514, plus strand): 5'-TTAATTACAATAAAAAGTAAAATCACAGAGCTATTTTAAAACTAATGTAACCATTTTTTT[A>T]AAAAAAGAAACTATTTAAACAAGAAAATGATTTTTAAAAATTCTAAGTAAGAAATCTAGT-3'

ClinVar aggregate classification (germline): Benign (1 of 4 stars; one submission).

Conditions:
Dihydropyrimidinase deficiency (DPYSD). Also called: dihydropyrimidinuria; DPH DEFICIENCY; DPYS DEFICIENCY. Identifiers: Orphanet 38874, MedGen C0342803, MONDO:0009111, OMIM 222748.

Allele frequency attached by ClinVar (database versions not stated): TOPMed 0.02581; 1000 Genomes Project 0.02636; 1000 Genomes Project 30x 0.02951.
gnomAD v4.1: 3,417 of 168,800 alleles (2%); highest among the groups gnomAD compares: African/African-American, 7.4%; 124 homozygotes.

Submission:

Illumina Laboratory Services, Illumina
Classification: Benign for Dihydropyrimidinase deficiency. Last evaluated: 2018-01-12. Review status: criteria provided, single submitter. Criteria: ICSL Variant Classification Criteria 13 December 2019. Collection method: clinical testing. Allele origin: germline.
Comment: This variant was observed in the ICSL laboratory as part of a predisposition screen in an ostensibly healthy population. It had not been previously curated by ICSL or reported in the Human Gene Mutation Database (HGMD: prior to June 1st, 2018), and was therefore a candidate for classification through an automated scoring system. Utilizing variant allele frequency, disease prevalence and penetrance estimates, and inheritance mode, an automated score was calculated to assess if this variant is too frequent to cause the disease. Based on the score and internal cut-off values, a variant classified as benign is not then subjected to further curation. The score for this variant resulted in a classification of benign for this disease.